The following is an entry in ClinVar:

NM_014963.3(SBNO2):c.556G>A (p.Asp186Asn)

Gene: SBNO2 (strawberry notch homolog 2; minus strand). Cytogenetic location: 19p13.3.
Variant type: single nucleotide variant.
Coding change: c.556G>A on transcript NM_014963.3 (MANE Select); coding-DNA position 556, G replaced by A.
Protein change: p.Asp186Asn; replaces aspartic acid 186 with asparagine.
Molecular consequence: missense variant.
Genome position (GRCh38, 1-based): chr19:1,123,606, C>T on the plus strand (G>A on the coding strand, the complement: SBNO2 is on the minus strand). VCF-style: chr19-1123606-C-T. GRCh37 (hg19) VCF-style: chr19-1123605-C-T.
Other names: c.385G>A, p.Asp129Asn (NM_001100122.2); short protein forms D129N, D186N.
Identifiers: ClinVar variation 4538342 (VCV004538342.1).

ClinVar aggregate classification (germline): Uncertain significance (1 of 4 stars; one submission).

Submission:

Greenwood Genetic Center Diagnostic Laboratories, Greenwood Genetic Center
Classification: Uncertain significance. Last evaluated: 2025-06-26. Review status: criteria provided, single submitter. Criteria: ACMG Guidelines, 2015. Collection method: clinical testing. Allele origin: germline. Affected: yes.
Comment: Gene of Uncertain Significance